The following is an entry in ClinVar:

ClinVar aggregate classification (germline): Benign/Likely benign. Review status: criteria provided, multiple submitters, no conflicts (2 of 4 stars). 3 submissions from 3 submitters: Benign (1); Likely benign (2). Last evaluated 2025-02-25.

Conditions:
Hereditary cancer-predisposing syndrome. Also called: Neoplastic Syndromes, Hereditary; Tumor predisposition; Hereditary Cancer Syndrome; Hereditary neoplastic syndrome. Identifiers: Orphanet 140162, MedGen C0027672, MeSH D009386, MONDO:0015356.
Multiple endocrine neoplasia, type 2 (MEN2). Identifiers: Orphanet 653, MedGen C4048306, MONDO:0019003. Disease mechanism: gain of function.
Multiple endocrine neoplasia type 2A. Also called: Multiple Endocrine Neoplasia Type 2A (MEN2A); MULTIPLE ENDOCRINE NEOPLASIA, TYPE IIA; PTC SYNDROME; SIPPLE SYNDROME; MEN 2A; MEN-2A syndrome. Identifiers: Orphanet 247698, Orphanet 653, MedGen C0025268, MeSH D018813, MONDO:0008234, OMIM 171400.

Allele frequency attached by ClinVar (database versions not stated): gnomAD exomes below 0.00001.
gnomAD v4.1: 1 of 1,613,818 alleles (0.000062%); highest among the groups gnomAD compares: East Asian, 0.0022%; no homozygotes.

Submissions (3):

Myriad Genetics, Inc.
Classification: Benign for Multiple endocrine neoplasia type 2A. Last evaluated: 2025-02-25. Review status: criteria provided, single submitter. Criteria: Myriad Autosomal Dominant, Autosomal Recessive and X-Linked Classification Criteria (2023). Collection method: clinical testing. Allele origin: unknown.
Comment: This variant is considered benign. This variant is a silent/synonymous amino acid change and it is not expected to impact splicing.

Ambry Genetics
Classification: Likely benign for Hereditary cancer-predisposing syndrome. Last evaluated: 2024-06-21. Review status: criteria provided, single submitter. Criteria: Ambry Variant Classification Scheme 2023. Collection method: clinical testing. Allele origin: germline.

Labcorp Genetics (formerly Invitae), Labcorp
Classification: Likely benign for Multiple endocrine neoplasia, type 2. Last evaluated: 2022-11-09. Review status: criteria provided, single submitter. Criteria: Invitae Variant Classification Sherloc (09022015). Collection method: clinical testing. Allele origin: germline.

NM_020975.6(RET):c.1011G>A (p.Glu337=)

Gene: RET (ret proto-oncogene; plus strand). Cytogenetic location: 10q11.21.
Variant type: single nucleotide variant.
Coding change: c.1011G>A on transcript NM_020975.6 (MANE Select); coding-DNA position 1011, G replaced by A.
Protein change: p.Glu337=; no amino-acid change (glutamic acid 337 retained).
Molecular consequence: synonymous variant. On other transcripts: intron variant (25).
Genome position (GRCh38, 1-based): chr10:43,106,519, G>A. VCF-style: chr10-43106519-G-A. GRCh37 (hg19) VCF-style: chr10-43601967-G-A.
Other names: c.1011G>A, p.Glu337= (NM_000323.2, NM_001406743.1, NM_001406744.1 and 6 more transcripts); c.249G>A, p.Glu83= (NM_001355216.2); c.882G>A, p.Glu294= (NM_001406761.1, NM_001406762.1, NM_001406764.1 and 1 more transcripts); c.723G>A, p.Glu241= (NM_001406766.1, NM_001406767.1, NM_001406770.1); c.867+1326G>A (NM_001406772.1, NM_001406769.1); c.626-2512G>A (NM_001406773.1, NM_001406771.1); c.625+3890G>A (NM_001406782.1, NM_001406780.1, NM_001406779.1 and 3 more transcripts); c.738+1326G>A (NM_001406774.1); and 5 more.
Identifiers: ClinVar variation 2915865 (VCV002915865.5), dbSNP rs2538404871, ClinGen allele CA469023938.